The following is an entry in ClinVar:

NM_032888.4(COL27A1):c.1727G>C (p.Ser576Thr)

Gene: COL27A1 (collagen type XXVII alpha 1 chain; plus strand). Cytogenetic location: 9q32.
Variant type: single nucleotide variant.
Coding change: c.1727G>C on transcript NM_032888.4 (MANE Select); coding-DNA position 1727, G replaced by C.
Protein change: p.Ser576Thr; replaces serine 576 with threonine.
Molecular consequence: missense variant.
Genome position (GRCh38, 1-based): chr9:114,169,282, G>C. VCF-style: chr9-114169282-G-C. GRCh37 (hg19) VCF-style: chr9-116931562-G-C.
Other names: c.1727G>C (NM_032888.2); short protein forms S576T.
Identifiers: ClinVar variation 710441 (VCV000710441.34), dbSNP rs148019836, ClinGen allele CA5201456.

ClinVar aggregate classification (germline): Conflicting classifications of pathogenicity. Review status: criteria provided, conflicting classifications (1 of 4 stars). 4 submissions from 4 submitters: Uncertain significance (1); Likely benign (3). Last evaluated 2026-02-01.

Conditions:
Inborn genetic diseases. Identifiers: MedGen C0950123, MeSH D030342.

Allele frequency attached by ClinVar (database versions not stated): 1000 Genomes Project 0.00040; 1000 Genomes Project 30x 0.00047; TOPMed 0.00064.
gnomAD v4.1: 458 of 1,612,110 alleles (0.028%); highest among the groups gnomAD compares: Middle Eastern, 0.12%; no homozygotes.

Submissions (4):

CeGaT Center for Human Genetics Tuebingen
Classification: Likely benign. Last evaluated: 2026-02-01. Review status: criteria provided, single submitter. Criteria: CeGaT Center For Human Genetics Tuebingen Variant Classification Criteria Version 2. Collection method: clinical testing. Allele origin: germline. Affected: yes. Observed: 2 variant alleles.
Comment: COL27A1: BP4

Labcorp Genetics (formerly Invitae), Labcorp
Classification: Likely benign. Last evaluated: 2026-01-20. Review status: criteria provided, single submitter. Criteria: Invitae Variant Classification Sherloc (09022015). Collection method: clinical testing. Allele origin: germline.

Ambry Genetics
Classification: Uncertain significance for Inborn genetic diseases. Last evaluated: 2023-02-15. Review status: criteria provided, single submitter. Criteria: Ambry Variant Classification Scheme 2023. Collection method: clinical testing. Allele origin: germline.

Breakthrough Genomics
Classification: Likely benign. Review status: criteria provided, single submitter. Criteria: ACMG Guidelines, 2015. Collection method: not provided. Allele origin: germline. Inheritance: Autosomal recessive inheritance. Affected: yes.